The following is an entry in ClinVar:

ClinVar aggregate classification (germline): Uncertain significance (1 of 4 stars; one submission).

gnomAD v4.1: 1 of 1,614,050 alleles (0.000062%); highest among the groups gnomAD compares: Admixed American, 0.0017%; no homozygotes.

Submission:

Mayo Clinic Laboratories, Mayo Clinic
Classification: Uncertain significance. Last evaluated: 2025-05-23. Review status: criteria provided, single submitter. Criteria: ACMG Guidelines, 2015. Collection method: clinical testing. Allele origin: germline. Observed: 2 variant alleles.
Comment: BP4_moderate, PM2_supporting

NM_001172303.3(MASTL):c.1907T>C (p.Leu636Ser)

Gene: MASTL (microtubule associated serine/threonine kinase like; plus strand). Cytogenetic location: 10p12.1.
Variant type: single nucleotide variant.
Coding change: c.1907T>C on transcript NM_001172303.3 (MANE Select); coding-DNA position 1907, T replaced by C.
Protein change: p.Leu636Ser; replaces leucine 636 with serine.
Molecular consequence: missense variant. On other transcripts: non-coding transcript variant (1).
Genome position (GRCh38, 1-based): chr10:27,170,866, T>C. VCF-style: chr10-27170866-T-C. GRCh37 (hg19) VCF-style: chr10-27459795-T-C.
Other names: p.Leu636Ser; c.1907T>C, p.Leu636Ser (NM_001172304.3, NM_001320756.2, NM_001320757.2 and 1 more transcripts); c.1424T>C, p.Leu475Ser (NM_001372029.1, NM_001372030.1); short protein forms L475S, L636S.
Identifiers: ClinVar variation 4541535 (VCV004541535.1).
Genomic context (GRCh38, chr10:27,170,866, plus strand): 5'-AAAAGACCTCACCAAAAGGTGTCGAGAACCCTGCTGTACAAGAGAGTAACCAAAAAATGT[T>C]AGGTCCTCCTTTGGAGGTGCTGAAAACGTTAGCCTCTAAAAGAAATGCTGTTGCTTTTCG-3'
Protein context (NP_001165774.1, residues 626-646): PAVQESNQKM[Leu636Ser]GPPLEVLKTL